The following is an entry in ClinVar:

ClinVar aggregate classification (germline): Benign/Likely benign. Review status: criteria provided, multiple submitters, no conflicts (2 of 4 stars). 12 submissions from 12 submitters: Benign (8); Likely benign (1). 3 of the submissions do not count toward it. Last evaluated 2026-02-02.

Conditions:
Collagen 6-related myopathy. Identifiers: MedGen CN117976, MONDO:0100225.
Bethlem myopathy 1A. Also called: MYOPATHY, BENIGN CONGENITAL, WITH CONTRACTURES; Bethlem Muscular Dystrophy; Bethlem myopathy 1. Identifiers: Orphanet 610, MedGen CN029274, MONDO:0024530, OMIM 158810.

Allele frequency attached by ClinVar (database versions not stated): 1000 Genomes Project 30x 0.04216; 1000 Genomes Project 0.04353; TOPMed 0.06463; gnomAD 0.06824 and 0.06903; ESP Exome Variant Server 0.07197.
gnomAD v4.1: 152,456 of 1,613,912 alleles (9.4%); highest among the groups gnomAD compares: Non-Finnish European, 11%; 8,130 homozygotes.

Submissions (12):

Labcorp Genetics (formerly Invitae), Labcorp
Classification: Benign for Bethlem myopathy 1A. Last evaluated: 2026-02-02. Review status: criteria provided, single submitter. Criteria: Invitae Variant Classification Sherloc (09022015). Collection method: clinical testing. Allele origin: germline.

Blueprint Genetics
Classification: Likely benign. Last evaluated: 2024-11-26. Review status: criteria provided, single submitter. Criteria: ACMG Guidelines, 2015. Collection method: clinical testing. Allele origin: germline.

Athena Diagnostics
Classification: Benign. Last evaluated: 2021-06-25. Review status: criteria provided, single submitter. Criteria: Athena Diagnostics Criteria. Collection method: clinical testing. Allele origin: unknown.

Illumina Laboratory Services, Illumina
Classification: Benign for Collagen VI-related myopathy. Last evaluated: 2018-01-13. Review status: criteria provided, single submitter. Criteria: ICSL Variant Classification Criteria 13 December 2019. Collection method: clinical testing. Allele origin: germline.
Comment: This variant was observed in the ICSL laboratory as part of a predisposition screen in an ostensibly healthy population. It had not been previously curated by ICSL or reported in the Human Gene Mutation Database (HGMD: prior to June 1st, 2018), and was therefore a candidate for classification through an automated scoring system. Utilizing variant allele frequency, disease prevalence and penetrance estimates, and inheritance mode, an automated score was calculated to assess if this variant is too frequent to cause the disease. Based on the score and internal cut-off values, a variant classified as benign is not then subjected to further curation. The score for this variant resulted in a classification of benign for this disease.

Mayo Clinic Laboratories, Mayo Clinic
Classification: Benign. Last evaluated: 2017-10-10. Review status: criteria provided, single submitter. Criteria: ACMG Guidelines, 2015. Collection method: clinical testing. Allele origin: germline. Observed: 118 variant alleles.

GeneDx
Classification: Benign. Last evaluated: 2016-01-05. Review status: criteria provided, single submitter. Criteria: GeneDx Variant Classification (06012015). Collection method: clinical testing. Allele origin: germline. Affected: yes.
Comment: This variant is considered likely benign or benign based on one or more of the following criteria: it is a conservative change, it occurs at a poorly conserved position in the protein, it is predicted to be benign by multiple in silico algorithms, and/or has population frequency not consistent with disease.

Eurofins Ntd Llc (ga)
Classification: Benign. Last evaluated: 2012-08-07. Review status: criteria provided, single submitter. Criteria: EGL Classification Definitions 2015. Collection method: clinical testing. Allele origin: germline. Observed: 17 variant alleles, 15 heterozygotes, 2 homozygotes.

Breakthrough Genomics
Classification: Benign. Review status: criteria provided, single submitter. Criteria: ACMG Guidelines, 2015. Collection method: not provided. Allele origin: germline. Inheritance: Autosomal recessive inheritance. Affected: yes.

PreventionGenetics, part of Exact Sciences
Classification: Benign. Review status: criteria provided, single submitter. Criteria: ACMG Guidelines, 2015. Collection method: clinical testing. Allele origin: germline.

Clinical Genetics, Academic Medical Center
Classification: Benign. Review status: no assertion criteria provided. Collection method: clinical testing. Allele origin: germline. Affected: yes. Study: VKGL Data-share Consensus. Not counted in ClinVar's aggregate classification.

Genetic Services Laboratory, University of Chicago
Classification: Likely benign for AllHighlyPenetrant. Review status: no assertion criteria provided. Collection method: clinical testing. Allele origin: germline. Not counted in ClinVar's aggregate classification.
Comment: Likely benign based on allele frequency in 1000 Genomes Project or ESP global frequency and its presence in a patient with a rare or unrelated disease phenotype. NOT Sanger confirmed.

Joint Genome Diagnostic Labs from Nijmegen and Maastricht, Radboudumc and MUMC+
Classification: Benign. Review status: no assertion criteria provided. Collection method: clinical testing. Allele origin: germline. Affected: yes. Study: VKGL Data-share Consensus. Not counted in ClinVar's aggregate classification.

NM_004369.4(COL6A3):c.7842C>T (p.Ser2614=)

Gene: COL6A3 (collagen type VI alpha 3 chain; minus strand). Cytogenetic location: 2q37.3.
Variant type: single nucleotide variant.
Coding change: c.7842C>T on transcript NM_004369.4 (MANE Select); coding-DNA position 7842, C replaced by T.
Protein change: p.Ser2614=; no amino-acid change (serine 2614 retained).
Molecular consequence: synonymous variant.
Genome position (GRCh38, 1-based): chr2:237,341,074, G>A on the plus strand (C>T on the coding strand, the complement: COL6A3 is on the minus strand). VCF-style: chr2-237341074-G-A. GRCh37 (hg19) VCF-style: chr2-238249717-G-A.
Other names: p.Ser2614=; c.6021C>T, p.Ser2007= (NM_057166.5); c.7224C>T, p.Ser2408= (NM_057167.4).
Identifiers: ClinVar variation 94997 (VCV000094997.30), dbSNP rs34558385, ClinGen allele CA148047.